The following is an entry in ClinVar:

ClinVar aggregate classification (germline): Uncertain significance. Review status: criteria provided, multiple submitters, no conflicts (2 of 4 stars). 2 submissions from 2 submitters: Uncertain significance (2). Last evaluated 2024-11-15.

Conditions:
Multiple endocrine neoplasia type 4. Also called: MULTIPLE ENDOCRINE NEOPLASIA, TYPE IV. Identifiers: Orphanet 276152, MedGen C1970712, MONDO:0012552, OMIM 610755.

Allele frequency attached by ClinVar (database versions not stated): ExAC 0.00001.
gnomAD v4.1: 4 of 1,614,162 alleles (0.00025%); no homozygotes.

Submissions (2):

Labcorp Genetics (formerly Invitae), Labcorp
Classification: Uncertain significance for Multiple endocrine neoplasia type 4. Last evaluated: 2024-11-15. Review status: criteria provided, single submitter. Criteria: Invitae Variant Classification Sherloc (09022015). Collection method: clinical testing. Allele origin: germline.
Comment: This sequence change replaces asparagine, which is neutral and polar, with threonine, which is neutral and polar, at codon 168 of the CDKN1B protein (p.Asn168Thr). This variant is present in population databases (rs761736796, gnomAD 0.004%). This variant has not been reported in the literature in individuals affected with CDKN1B-related conditions. ClinVar contains an entry for this variant (Variation ID: 1504113). An algorithm developed to predict the effect of missense changes on protein structure and function (PolyPhen-2) suggests that this variant is likely to be tolerated. In summary, the available evidence is currently insufficient to determine the role of this variant in disease. Therefore, it has been classified as a Variant of Uncertain Significance.

Blueprint Genetics
Classification: Uncertain significance. Last evaluated: 2021-10-26. Review status: criteria provided, single submitter. Criteria: ACMG Guidelines, 2015. Collection method: clinical testing. Allele origin: germline.

NM_004064.5(CDKN1B):c.503A>C (p.Asn168Thr)

Gene: CDKN1B (cyclin dependent kinase inhibitor 1B; plus strand). Cytogenetic location: 12p13.1.
Variant type: single nucleotide variant.
Coding change: c.503A>C on transcript NM_004064.5 (MANE Select); coding-DNA position 503, A replaced by C.
Protein change: p.Asn168Thr; replaces asparagine 168 with threonine.
Molecular consequence: missense variant.
Genome position (GRCh38, 1-based): chr12:12,718,852, A>C. VCF-style: chr12-12718852-A-C. GRCh37 (hg19) VCF-style: chr12-12871786-A-C.
Other names: short protein forms N168T.
Identifiers: ClinVar variation 1504113 (VCV001504113.9), dbSNP rs761736796, ClinGen allele CA6457554.